The following is an entry in ClinVar:

ClinVar aggregate classification (germline): Uncertain significance (1 of 4 stars; one submission).

Conditions:
Autosomal recessive severe congenital neutropenia due to CSF3R deficiency. Also called: Neutropenia, severe congenital, 7, autosomal recessive. Identifiers: Orphanet 420702, MedGen C4310764, MONDO:0014865, OMIM 617014.

gnomAD v4.1: 1 of 1,614,272 alleles (0.000062%); no homozygotes.

Submission:

Labcorp Genetics (formerly Invitae), Labcorp
Classification: Uncertain significance for Autosomal recessive severe congenital neutropenia due to CSF3R deficiency. Last evaluated: 2025-08-04. Review status: criteria provided, single submitter. Criteria: Invitae Variant Classification Sherloc (09022015). Collection method: clinical testing. Allele origin: germline.
Comment: This sequence change replaces methionine, which is neutral and non-polar, with arginine, which is basic and polar, at codon 617 of the CSF3R protein (p.Met617Arg). This variant is present in population databases (no rsID available, gnomAD no frequency). This variant has not been reported in the literature in individuals affected with CSF3R-related conditions. Invitae Evidence Modeling of protein sequence and biophysical properties (such as structural, functional, and spatial information, amino acid conservation, physicochemical variation, residue mobility, and thermodynamic stability) indicates that this missense variant is not expected to disrupt CSF3R protein function with a negative predictive value of 80%. In summary, the available evidence is currently insufficient to determine the role of this variant in disease. Therefore, it has been classified as a Variant of Uncertain Significance.

NM_000760.4(CSF3R):c.1850T>G (p.Met617Arg)

Gene: CSF3R (colony stimulating factor 3 receptor; minus strand). Cytogenetic location: 1p34.3.
Variant type: single nucleotide variant.
Coding change: c.1850T>G on transcript NM_000760.4 (MANE Select); coding-DNA position 1850, T replaced by G.
Protein change: p.Met617Arg; replaces methionine 617 with arginine.
Molecular consequence: missense variant.
Genome position (GRCh38, 1-based): chr1:36,467,836, A>C on the plus strand (T>G on the coding strand, the complement: CSF3R is on the minus strand). VCF-style: chr1-36467836-A-C. GRCh37 (hg19) VCF-style: chr1-36933437-A-C.
Other names: c.1850T>G, p.Met617Arg (NM_156039.3, NM_172313.3); short protein forms M617R.
Identifiers: ClinVar variation 4802772 (VCV004802772.1).
Genomic context (GRCh38, chr1:36,467,836, plus strand): 5'-GTACCCTCCAAACAGCCATCTCTGCCCAGCCCCCGTCTCCCCTTACCTGGGGTCAAGGTC[A>C]TCAGGGTGAGGACTGTACTGTTGGTGGCCCCAGCCTGGCTGGCAGCCATGAGGTGGATGT-3'
Protein context (NP_000751.1, residues 607-627): GATNSTVLTL[Met617Arg]TLTPEGSELH